The following is an entry in ClinVar:

NM_014305.4(TGDS):c.298G>T (p.Ala100Ser)

Gene: TGDS (TDP-glucose 4,6-dehydratase; minus strand). Cytogenetic location: 13q32.1.
Variant type: single nucleotide variant.
Coding change: c.298G>T on transcript NM_014305.4 (MANE Select); coding-DNA position 298, G replaced by T.
Protein change: p.Ala100Ser; replaces alanine 100 with serine.
Molecular consequence: missense variant. On other transcripts: non-coding transcript variant (1).
Genome position (GRCh38, 1-based): chr13:94,590,868, C>A on the plus strand (G>T on the coding strand, the complement: TGDS is on the minus strand). VCF-style: chr13-94590868-C-A. GRCh37 (hg19) VCF-style: chr13-95243122-C-A.
Other names: TGDS, ALA100SER (rs140430952); c.202G>T, p.Ala68Ser (NM_001304430.2); short protein forms A100S, A68S.
Identifiers: ClinVar variation 162455 (VCV000162455.64), dbSNP rs140430952, ClinGen allele CA175045.

ClinVar aggregate classification (germline): Pathogenic/Likely pathogenic. Review status: criteria provided, multiple submitters, no conflicts (2 of 4 stars). 14 submissions from 14 submitters: Pathogenic (11); Likely pathogenic (1). 2 of the submissions do not count toward it. Last evaluated 2025-12-22.

Conditions:
TGDS-related disorder. Also called: TGDS-related condition.
Catel-Manzke syndrome. Also called: HYPERPHALANGY-CLINODACTYLY OF INDEX FINGER WITH PIERRE ROBIN SYNDROME; INDEX FINGER ANOMALY WITH PIERRE ROBIN SYNDROME; PIERRE ROBIN SYNDROME WITH HYPERPHALANGY AND CLINODACTYLY; MICROGNATHIA DIGITAL SYNDROME. Identifiers: Orphanet 1388, MedGen C1844887, MONDO:0014507, OMIM 616145.
Inborn genetic diseases. Identifiers: MedGen C0950123, MeSH D030342.

Allele frequency attached by ClinVar (database versions not stated): gnomAD 0.00041; TOPMed 0.00047; ESP Exome Variant Server 0.00077.

Submissions (14):

Dasa
Classification: Pathogenic. Last evaluated: 2025-12-22. Review status: criteria provided, single submitter. Criteria: DASA Assertion Criteria. Collection method: clinical testing. Allele origin: germline.
Comment: NM_014305.4(TGDS):c.298G>T (p.Ala100Ser) is a missense variant that results in the substitution of alanine with serine. The affected residue or protein region has prior evidence supporting clinical relevance. This variant has been observed in affected individuals with related phenotype in a genotype context consistent with recessive disease (PMID: 25480037; PMID: 31833187; PMID: 26366375). Functional evidence supports a deleterious effect on the gene or gene product (PMID: 25480037; PMID: 31833187; PMID: 26366375). This variant has been recurrently observed in individuals with related phenotype (PMID: 25480037; PMID: 31833187; PMID: 26366375). Multiple computational predictions support a deleterious effect on the gene or gene product. The variant is present at low frequency in population datasets. Based on the available data, this variant is classified as pathogenic.

Labcorp Genetics (formerly Invitae), Labcorp
Classification: Pathogenic. Last evaluated: 2025-12-18. Review status: criteria provided, single submitter. Criteria: Invitae Variant Classification Sherloc (09022015). Collection method: clinical testing. Allele origin: germline.
Comment: This sequence change replaces alanine, which is neutral and non-polar, with serine, which is neutral and polar, at codon 100 of the TGDS protein (p.Ala100Ser). This variant is present in population databases (rs140430952, gnomAD 0.06%). This missense change has been observed in individuals with atypical or typical Catel-Manzke syndrome (PMID: 25480037, 26366375, 28422407, 31769200; internal data). ClinVar contains an entry for this variant (Variation ID: 162455). Invitae Evidence Modeling of protein sequence and biophysical properties (such as structural, functional, and spatial information, amino acid conservation, physicochemical variation, residue mobility, and thermodynamic stability) indicates that this missense variant is expected to disrupt TGDS protein function with a positive predictive value of 80%. For these reasons, this variant has been classified as Pathogenic.

PreventionGenetics, part of Exact Sciences
Classification: Pathogenic for TGDS-related condition. Last evaluated: 2025-12-05. Review status: criteria provided, single submitter. Criteria: ACMG Guidelines, 2015. Collection method: clinical testing. Allele origin: germline.
Comment: The TGDS c.298G>T variant is predicted to result in the amino acid substitution p.Ala100Ser. This variant has been reported in the homozygous or compound heterozygous state in individuals with Catel-Manzke syndrome, and it is the most commonly reported pathogenic variant in TGDS gene (see, for example, Ehmke et al. 2014. PubMed ID: 25480037; Pferdehirt et al. 2015. PubMed ID: 26366375; Schoner et al. 2017. PubMed ID: 28422407). This variant is reported in 0.063% of alleles in individuals of European (Non-Finnish) descent in gnomAD. This variant is interpreted as pathogenic.

GeneDx
Classification: Pathogenic. Last evaluated: 2024-10-31. Review status: criteria provided, single submitter. Criteria: GeneDx Variant Classification Process June 2021. Collection method: clinical testing. Allele origin: germline. Affected: yes.
Comment: In silico analysis supports that this missense variant has a deleterious effect on protein structure/function; This variant is associated with the following publications: (PMID: 28422407, 26366375, 34426522, 31769200, 31833187, 34012376, 25480037, 34930662, 29431110, 37361548, 24326962, 21834032, 14564220, 37010288, 28229453, 18501694)

Blueprint Genetics
Classification: Pathogenic for TGDS-related disorders. Last evaluated: 2024-10-17. Review status: criteria provided, single submitter. Criteria: ACMG Guidelines, 2015. Collection method: clinical testing. Allele origin: germline. Affected: yes. Observed: 5 variant alleles.

Department of Pathology and Laboratory Medicine, Sinai Health System
Classification: Pathogenic for Catel-Manzke syndrome. Last evaluated: 2023-02-24. Review status: criteria provided, single submitter. Criteria: ACMG Guidelines, 2015. Collection method: research. Allele origin: germline.

Women's Health and Genetics/Laboratory Corporation of America, LabCorp
Classification: Pathogenic for Catel-Manzke syndrome. Last evaluated: 2022-08-26. Review status: criteria provided, single submitter. Criteria: LabCorp Variant Classification Summary - May 2015. Collection method: clinical testing. Allele origin: germline.
Comment: Variant summary: TGDS c.298G>T (p.Ala100Ser) results in a conservative amino acid change located in the NAD(P)-binding domain (IPR016040) of the encoded protein sequence. Four of five in-silico tools predict a damaging effect of the variant on protein function. The variant allele was found at a frequency of 0.00033 in 206418 control chromosomes. This frequency does not allow conclusions about variant significance. c.298G>T has been reported in the literature as a biallelic genotype in multiple individuals affected with Catel-Manzke Syndrome (example, Ehmke_2014, Miller_2020). These data indicate that the variant is very likely to be associated with disease. To our knowledge, no experimental evidence demonstrating an impact on protein function has been reported. Six clinical diagnostic laboratories have submitted clinical-significance assessments for this variant to ClinVar after 2014 without evidence for independent evaluation. All laboratories classified the variant as pathogenic/likely pathogenic. Based on the evidence outlined above, the variant was classified as pathogenic.

Revvity Omics, Revvity
Classification: Likely pathogenic for Catel-Manzke syndrome. Last evaluated: 2021-12-22. Review status: criteria provided, single submitter. Criteria: ACMG Guidelines, 2015. Collection method: clinical testing. Allele origin: germline.

HudsonAlpha Institute for Biotechnology
Classification: Pathogenic for Catel-Manzke syndrome. Last evaluated: 2020-08-26. Review status: criteria provided, single submitter. Criteria: ACMG Guidelines, 2015. Collection method: research. Allele origin: inherited. Affected: yes. Observed: 1 homozygote. Study: CSER-SouthSeq.
Comment: ACMG codes:PS4, PM2, PM3, PP3, PP5

Fulgent Genetics
Classification: Pathogenic for Catel-Manzke syndrome. Last evaluated: 2018-10-31. Review status: criteria provided, single submitter. Criteria: ACMG Guidelines, 2015. Collection method: clinical testing. Allele origin: unknown.

CeGaT Center for Human Genetics Tuebingen
Classification: Pathogenic. Last evaluated: 2018-02-01. Review status: criteria provided, single submitter. Criteria: CeGaT Center For Human Genetics Tuebingen Variant Classification Criteria Version 2. Collection method: clinical testing. Allele origin: germline. Affected: yes. Observed: 1 variant allele.

Ambry Genetics
Classification: Pathogenic for Inborn genetic diseases. Last evaluated: 2016-06-20. Review status: criteria provided, single submitter. Criteria: Ambry exome assertion method (8-5-2015). Collection method: clinical testing. Allele origin: germline. Affected: yes. Observed: 1 variant allele.

Equipe Genetique des Anomalies du Developpement, Université de Bourgogne
Classification: Pathogenic for Catel-Manzke syndrome. Last evaluated: 2020-09-25. Review status: no assertion criteria provided. Collection method: clinical testing. Allele origin: unknown. Affected: yes. Not counted in ClinVar's aggregate classification.

OMIM
Classification: Pathogenic for CATEL-MANZKE SYNDROME. Last evaluated: 2014-12-04. Review status: no assertion criteria provided. Collection method: literature only. Allele origin: germline. Not counted in ClinVar's aggregate classification.

Literature cited by the submitters: PubMed 25480037 (cited by 5 submitters); PubMed 31833187 (cited by Dasa and Women's Health and Genetics/Laboratory Corporation of America, LabCorp); PubMed 26366375 (cited by 3 submitters); PubMed 28422407 (cited by Labcorp Genetics (formerly Invitae), Labcorp); PubMed 31769200 (cited by Labcorp Genetics (formerly Invitae), Labcorp); Catel, W. Differentialdiagnose von Krankheitssymptomen bei Kindern und Jugendlichen. Vol. 1. (3rd ed.) Stuttgart: G. Thieme (pub.) 218-220, 1961. (cited by OMIM); PubMed 18501694 (cited by OMIM).